The following is an entry in ClinVar:

NM_000264.5(PTCH1):c.879C>G (p.Asp293Glu)

Gene: PTCH1 (patched 1; minus strand). Cytogenetic location: 9q22.32.
Variant type: single nucleotide variant.
Coding change: c.879C>G on transcript NM_000264.5 (MANE Select); coding-DNA position 879, C replaced by G.
Protein change: p.Asp293Glu; replaces aspartic acid 293 with glutamic acid.
Molecular consequence: missense variant. On other transcripts: non-coding transcript variant (1).
Genome position (GRCh38, 1-based): chr9:95,480,456, G>C on the plus strand (C>G on the coding strand, the complement: PTCH1 is on the minus strand). VCF-style: chr9-95480456-G-C. GRCh37 (hg19) VCF-style: chr9-98242738-G-C.
Other names: c.426C>G, p.Asp142Glu (NM_001083604.3, NM_001083605.3, NM_001083606.3 and 1 more transcripts); c.879C>G, p.Asp293Glu (NM_001354918.2); c.681C>G, p.Asp227Glu (NM_001083602.3); c.876C>G, p.Asp292Glu (NM_001083603.3); short protein forms D142E, D227E, D292E, D293E.
Identifiers: ClinVar variation 4532903 (VCV004532903.3).

ClinVar aggregate classification (germline): Uncertain significance. Review status: criteria provided, multiple submitters, no conflicts (2 of 4 stars). 3 submissions from 3 submitters: Uncertain significance (3). Last evaluated 2026-07-06.

Conditions:
Hereditary cancer-predisposing syndrome. Also called: Neoplastic Syndromes, Hereditary; Tumor predisposition; Hereditary Cancer Syndrome; Hereditary neoplastic syndrome. Identifiers: Orphanet 140162, MedGen C0027672, MeSH D009386, MONDO:0015356.
Gorlin syndrome. Also called: Nevoid Basal Cell Carcinoma Syndrome; Basal cell nevus syndrome. Identifiers: Orphanet 377, MedGen C0004779, MONDO:0007187.

Submissions (3):

Ambry Genetics
Classification: Uncertain significance for Hereditary cancer-predisposing syndrome. Last evaluated: 2026-07-06. Review status: criteria provided, single submitter. Criteria: Ambry Variant Classification Scheme 2023. Collection method: clinical testing. Allele origin: germline.
Comment: The p.D227E variant (also known as c.681C>G), located in coding exon 6 of the PTCH1 gene, results from a C to G substitution at nucleotide position 681. The aspartic acid at codon 227 is replaced by glutamic acid, an amino acid with highly similar properties. This amino acid position is conserved. In addition, the in silico prediction for this alteration is inconclusive. Based on the available evidence, the clinical significance of this variant remains unclear.

Quest Diagnostics Nichols Institute San Juan Capistrano
Classification: Uncertain significance. Last evaluated: 2025-08-01. Review status: criteria provided, single submitter. Criteria: Quest Diagnostics criteria. Collection method: clinical testing. Allele origin: unknown.
Comment: The PTCH1 c.879C>G (p.Asp293Glu) variant has not been reported in individuals with PTCH1-related conditions in the published literature. This variant also has not been reported in large, multi-ethnic general populations (Genome Aggregation Database). Analysis of this variant using bioinformatics tools for the prediction of the effect of amino acid changes on protein structure and function yielded predictions that this variant is benign. Based on the available information, we are unable to determine the clinical significance of this variant.

Labcorp Genetics (formerly Invitae), Labcorp
Classification: Uncertain significance for Gorlin syndrome. Last evaluated: 2025-06-22. Review status: criteria provided, single submitter. Criteria: Invitae Variant Classification Sherloc (09022015). Collection method: clinical testing. Allele origin: germline.
Comment: This sequence change replaces aspartic acid, which is acidic and polar, with glutamic acid, which is acidic and polar, at codon 293 of the PTCH1 protein (p.Asp293Glu). This variant is not present in population databases (gnomAD no frequency). This variant has not been reported in the literature in individuals affected with PTCH1-related conditions. Invitae Evidence Modeling of protein sequence and biophysical properties (such as structural, functional, and spatial information, amino acid conservation, physicochemical variation, residue mobility, and thermodynamic stability) indicates that this missense variant is not expected to disrupt PTCH1 protein function with a negative predictive value of 95%. In summary, the available evidence is currently insufficient to determine the role of this variant in disease. Therefore, it has been classified as a Variant of Uncertain Significance.